The following is an entry in ClinVar:

ClinVar aggregate classification (germline): Likely benign. Review status: criteria provided, multiple submitters, no conflicts (2 of 4 stars). 2 submissions from 2 submitters: Likely benign (2). Last evaluated 2023-12-01.

Allele frequency attached by ClinVar (database versions not stated): gnomAD 0.00054; TOPMed 0.00063; ExAC 0.00064; gnomAD exomes 0.00066 and 0.00084; ESP Exome Variant Server 0.00069.
gnomAD v4.1: 1,304 of 1,613,850 alleles (0.081%); highest among the groups gnomAD compares: Non-Finnish European, 0.1%; 1 homozygote.

Submissions (3):

CeGaT Center for Human Genetics Tuebingen
Classification: Likely benign. Last evaluated: 2023-12-01. Review status: criteria provided, single submitter. Criteria: CeGaT Center For Human Genetics Tuebingen Variant Classification Criteria Version 2. Collection method: clinical testing. Allele origin: germline. Affected: yes. Observed: 1 variant allele.
Comment: ZBTB16: BP4

Labcorp Genetics (formerly Invitae), Labcorp
Classification: Likely benign. Last evaluated: 2018-03-01. Review status: criteria provided, single submitter. Criteria: Invitae Variant Classification Sherloc (09022015). Collection method: clinical testing. Allele origin: germline.

Dr. Peter K. Rogan Lab, Western University
No classification provided (evidence only). Condition: Malignant tumor of urinary bladder. Review status: no classification provided. Collection method: in vitro. Allele origin: not applicable. Functional consequence: retained intron. Not counted in ClinVar's aggregate classification.

NM_006006.6(ZBTB16):c.939C>T (p.Gly313=)

Gene: ZBTB16 (zinc finger and BTB domain containing 16; plus strand). Cytogenetic location: 11q23.2.
Variant type: single nucleotide variant.
Coding change: c.939C>T on transcript NM_006006.6 (MANE Select); coding-DNA position 939, C replaced by T.
Protein change: p.Gly313=; no amino-acid change (glycine 313 retained).
Molecular consequence: synonymous variant.
Genome position (GRCh38, 1-based): chr11:114,064,239, C>T. VCF-style: chr11-114064239-C-T. GRCh37 (hg19) VCF-style: chr11-113934961-C-T.
Other names: NC_000011.9:g.113934961C>T; c.939C>T, p.Gly313= (NM_001018011.3, NM_001354750.2, NM_001354751.2 and 1 more transcripts).
Identifiers: ClinVar variation 724498 (VCV000724498.26), dbSNP rs143295857, ClinGen allele CA6285096.